The following is an entry in ClinVar:

NM_001374828.1(ARID1B):c.482C>T (p.Ala161Val)

Genes: ARID1B (AT-rich interaction domain 1B; plus strand), LOC115308161 (uncharacterized LOC115308161; minus strand). Cytogenetic location: 6q25.3.
Variant type: single nucleotide variant.
Coding change: c.482C>T on transcript NM_001374828.1 (MANE Select); coding-DNA position 482, C replaced by T.
Protein change: p.Ala161Val; replaces alanine 161 with valine.
Molecular consequence: missense variant.
Genome position (GRCh38, 1-based): chr6:156,778,162, C>T. VCF-style: chr6-156778162-C-T. GRCh37 (hg19) VCF-style: chr6-157099296-C-T.
Other names: c.482C>T, p.Ala161Val (NM_001371656.1, NM_001374820.1, NM_017519.3); c.233C>T (NM_020732.3); short protein forms A161V.
Identifiers: ClinVar variation 930653 (VCV000930653.3), dbSNP rs752961325, ClinGen allele CA4066626.

ClinVar aggregate classification (germline): Uncertain significance (1 of 4 stars; one submission).

Conditions:
Coffin-Siris syndrome 1 (CSS1). Also called: Mental retardation, autosomal dominant 12; ARID1B-Related Coffin-Siris Syndrome. Identifiers: Orphanet 1465, MedGen C3281201, MONDO:0007617, OMIM 135900. Disease mechanism: gain of function.

Allele frequency attached by ClinVar (database versions not stated): gnomAD 0.00001; gnomAD exomes 0.00001; TOPMed 0.00001; ExAC 0.00006.
gnomAD v4.1: 17 of 1,542,118 alleles (0.0011%); highest among the groups gnomAD compares: South Asian, 0.0048%; no homozygotes.

Submission:

Centre for Mendelian Genomics, University Medical Centre Ljubljana
Classification: Uncertain significance for Coffin-Siris syndrome 1. Last evaluated: 2020-02-20. Review status: criteria provided, single submitter. Criteria: ACMG Guidelines, 2015. Collection method: clinical testing. Allele origin: unknown. Affected: yes.
Comment: This variant was classified as: Uncertain significance. The available evidence on this variant's pathogenicity is insufficient or conflicting. The following ACMG criteria were applied in classifying this variant: BP1.